The following is an entry in ClinVar:

NM_000404.4(GLB1):c.553-2A>G

Gene: GLB1 (galactosidase beta 1; minus strand). Cytogenetic location: 3p22.3.
Variant type: single nucleotide variant.
Coding change: c.553-2A>G on transcript NM_000404.4 (MANE Select); the canonical splice acceptor site of the intron before coding-DNA position 553, A replaced by G.
Molecular consequence: splice acceptor variant. On other transcripts: intron variant (1).
Genome position (GRCh38, 1-based): chr3:33,058,271, T>C on the plus strand (A>G on the coding strand, the complement: GLB1 is on the minus strand). VCF-style: chr3-33058271-T-C. GRCh37 (hg19) VCF-style: chr3-33099763-T-C.
Other names: c.553-2A>G (NM_001393580.1); c.341-4722A>G (NM_001135602.3); c.697-2A>G (NM_001317040.2); c.463-2A>G (NM_001079811.3).
Identifiers: ClinVar variation 4818322 (VCV004818322.1).

ClinVar aggregate classification (germline): Pathogenic (1 of 4 stars; one submission).

Conditions:
Mucopolysaccharidosis, MPS-IV-B (MPS4B). Also called: MORQUIO SYNDROME B; Mucopolysaccharidosis type 4B; Mucopolysaccharidosis type IVB (Morquio); MPS IVB; Mucopolysaccharidosis type IV B; Mucopolysaccharidosis Type IVB. Identifiers: Orphanet 309310, Orphanet 582, MedGen C0086652, MONDO:0009660, OMIM 253010.

Submission:

Natera, Inc.
Classification: Pathogenic for Mucopolysaccharidosis, MPS-IV-B. Last evaluated: 2024-07-02. Review status: criteria provided, single submitter. Criteria: Natera Variant Classification Schema (03/2026). Collection method: clinical testing. Allele origin: germline.
Comment: The c.553-2A>G variant in GLB1 is a canonical splice acceptor site variant predicted to affect pre-mRNA splicing, which may result in an abnormal transcript and altered protein product. This variant is expected to result in nonsense mediated decay, truncation, or a dysfunctional protein product. This variant is rare in the general population with a frequency below the threshold expected for the associated phenotype(s). This variant has been observed in one or more individuals affected with the associated recessive disease, as either homozygous or compound heterozygous with a second variant (PMID: 27679996). Additionally, this variant has been observed to segregate in affected family members (PMID: 27679996). Given the available evidence, this variant is classified as Pathogenic.

Literature cited by the submitters: PubMed 27679996.